The following is an entry in ClinVar:

ClinVar aggregate classification (germline): Pathogenic (1 of 4 stars; one submission).

Conditions:
Lynch syndrome 5 (LYNCH5). Also called: Colorectal cancer, hereditary nonpolyposis, type 5; Hereditary non-polyposis colorectal cancer, type 5. Identifiers: Orphanet 144, MedGen C1833477, MONDO:0013710, OMIM 614350. Disease mechanism: loss of function.

Submission:

Myriad Genetics, Inc.
Classification: Pathogenic for Lynch syndrome 5. Last evaluated: 2023-08-18. Review status: criteria provided, single submitter. Criteria: Myriad Autosomal Dominant, Autosomal Recessive and X-Linked Classification Criteria (2023). Collection method: clinical testing. Allele origin: unknown.
Comment: This variant is considered pathogenic. This variant creates a frameshift predicted to result in premature protein truncation.

NM_000179.3(MSH6):c.2778dup (p.Ile927fs)

Gene: MSH6 (mutS homolog 6; plus strand). Cytogenetic location: 2p16.3.
Variant type: Duplication.
Coding change: c.2778dup on transcript NM_000179.3 (MANE Select); coding-DNA position 2778, one base duplicated (T; older notation c.2778dupT).
Protein change: p.Ile927fs; shifts the reading frame from isoleucine 927.
Molecular consequence: frameshift variant. On other transcripts: non-coding transcript variant (5), intron variant (2).
Genome position (GRCh38, 1-based): chr2:47,800,761, T duplicated; the last of 2 consecutive T bases (chr2:47,800,760-47,800,761); duplicating either gives the same sequence. VCF-style (leftmost placement, unchanged base first): chr2-47800759-C-CT. GRCh37 (hg19) VCF-style: chr2-48027898-C-CT.
Other names: c.2388dup, p.Ile797fs (NM_001281492.2); c.1872dup, p.Ile625fs (NM_001281493.2, NM_001281494.2, NM_001406811.1 and 6 more transcripts); c.2874dup, p.Ile959fs (NM_001406795.1, NM_001406802.1); c.2778dup, p.Ile927fs (NM_001406796.1, NM_001406798.1, NM_001406800.1 and 2 more transcripts); c.2481dup, p.Ile828fs (NM_001406797.1, NM_001406801.1, NM_001406805.1 and 10 more transcripts); c.2253dup, p.Ile752fs (NM_001406799.1, NM_001406806.1, NM_001406807.1); c.2700dup, p.Ile901fs (NM_001406804.1); c.2784dup, p.Ile929fs (NM_001406813.1); and 4 more; short protein forms I242fs, I625fs, I752fs, I797fs, I828fs, I871fs, I901fs, I927fs.
Identifiers: ClinVar variation 2673783 (VCV002673783.1), dbSNP rs2530692701, ClinGen allele CA2695200577.
Genomic context (GRCh38, chr2:47,800,759, plus strand): 5'-ACTGTAGAATTGAACCGATGGGATACAGCCTTTGACCATGAAAAGGCTCGAAAGACTGGA[C>CT]TTATTACTCCCAAAGCAGGCTTTGACTCTGATTATGACCAAGCTCTTGCTGACATAAGAG-3'